The following is an entry in ClinVar:

ClinVar aggregate classification (germline): Benign/Likely benign. Review status: criteria provided, multiple submitters, no conflicts (2 of 4 stars). 13 submissions from 13 submitters: Benign (6); Likely benign (2). 5 of the submissions do not count toward it. Last evaluated 2026-02-04.

Conditions:
Tay-Sachs disease (TSD). Also called: GM2 gangliosidosis, type 1; Hexosaminidase alpha-subunit deficiency (variant B); Sphingolipidosis, Tay-Sachs; HEXA Disorders; Hexosaminidase A Deficiency; HEXA DEFICIENCY. Identifiers: Orphanet 845, MedGen C0039373, MONDO:0010100, OMIM 272800.

Allele frequency attached by ClinVar (database versions not stated): gnomAD 0.03048 and 0.03241; TOPMed 0.03173; ESP Exome Variant Server 0.03179; 1000 Genomes Project 30x 0.04091; gnomAD exomes 0.04147 and 0.04351; ExAC 0.04319; 1000 Genomes Project 0.04413.
gnomAD v4.1: 68,358 of 1,613,708 alleles (4.2%); highest among the groups gnomAD compares: East Asian, 14%; 1,833 homozygotes.

Submissions (13):

Labcorp Genetics (formerly Invitae), Labcorp
Classification: Benign for Tay-Sachs disease. Last evaluated: 2026-02-04. Review status: criteria provided, single submitter. Criteria: Invitae Variant Classification Sherloc (09022015). Collection method: clinical testing. Allele origin: germline.

Blueprint Genetics
Classification: Likely benign. Last evaluated: 2024-11-27. Review status: criteria provided, single submitter. Criteria: ACMG Guidelines, 2015. Collection method: clinical testing. Allele origin: germline.

ARUP Laboratories, Molecular Genetics and Genomics, ARUP Laboratories
Classification: Benign. Last evaluated: 2021-07-19. Review status: criteria provided, single submitter. Criteria: ARUP Molecular Germline Variant Investigation Process 2021. Collection method: clinical testing. Allele origin: germline.

Genome-Nilou Lab
Classification: Benign for Tay-Sachs disease. Last evaluated: 2021-06-10. Review status: criteria provided, single submitter. Criteria: ACMG Guidelines, 2015. Collection method: clinical testing. Allele origin: germline. Affected: no.

GeneDx
Classification: Benign. Last evaluated: 2015-07-15. Review status: criteria provided, single submitter. Criteria: GeneDx Variant Classification (06012015). Collection method: clinical testing. Allele origin: germline. Affected: yes.
Comment: This variant is considered likely benign or benign based on one or more of the following criteria: it is a conservative change, it occurs at a poorly conserved position in the protein, it is predicted to be benign by multiple in silico algorithms, and/or has population frequency not consistent with disease.

Eurofins Ntd Llc (ga)
Classification: Benign. Last evaluated: 2012-08-01. Review status: criteria provided, single submitter. Criteria: EGL Classification Definitions 2015. Collection method: clinical testing. Allele origin: germline. Observed: 5 variant alleles, 5 heterozygotes.

Breakthrough Genomics
Classification: Likely benign. Review status: criteria provided, single submitter. Criteria: ACMG Guidelines, 2015. Collection method: not provided. Allele origin: germline. Inheritance: Autosomal recessive inheritance. Affected: yes.

PreventionGenetics, part of Exact Sciences
Classification: Benign. Review status: criteria provided, single submitter. Criteria: ACMG Guidelines, 2015. Collection method: clinical testing. Allele origin: germline.

Natera, Inc.
Classification: Benign for Tay-Sachs disease. Last evaluated: 2019-05-20. Review status: no assertion criteria provided. Collection method: clinical testing. Allele origin: germline. Not counted in ClinVar's aggregate classification.

Mayo Clinic Laboratories, Mayo Clinic
Classification: Benign. Last evaluated: 2015-12-16. Review status: no assertion criteria provided. Collection method: clinical testing. Allele origin: unknown. Not counted in ClinVar's aggregate classification.

Clinical Genetics, Academic Medical Center
Classification: Benign. Review status: no assertion criteria provided. Collection method: clinical testing. Allele origin: germline. Affected: yes. Study: VKGL Data-share Consensus. Not counted in ClinVar's aggregate classification.

Genetic Services Laboratory, University of Chicago
Classification: Likely benign for AllHighlyPenetrant. Review status: no assertion criteria provided. Collection method: clinical testing. Allele origin: germline. Inheritance: Autosomal recessive inheritance. Not counted in ClinVar's aggregate classification.
Comment: Likely benign based on allele frequency in 1000 Genomes Project or ESP global frequency and its presence in a patient with a rare or unrelated disease phenotype. NOT Sanger confirmed.

Joint Genome Diagnostic Labs from Nijmegen and Maastricht, Radboudumc and MUMC+
Classification: Benign. Review status: no assertion criteria provided. Collection method: clinical testing. Allele origin: germline. Affected: yes. Study: VKGL Data-share Consensus. Not counted in ClinVar's aggregate classification.

NM_000520.6(HEXA):c.9C>T (p.Ser3=)

Gene: HEXA (hexosaminidase subunit alpha; minus strand). Cytogenetic location: 15q23.
Variant type: single nucleotide variant.
Coding change: c.9C>T on transcript NM_000520.6 (MANE Select); coding-DNA position 9, C replaced by T.
Protein change: p.Ser3=; no amino-acid change (serine 3 retained).
Molecular consequence: synonymous variant. On other transcripts: non-coding transcript variant (1).
Genome position (GRCh38, 1-based): chr15:72,375,964, G>A on the plus strand (C>T on the coding strand, the complement: HEXA is on the minus strand). VCF-style: chr15-72375964-G-A. GRCh37 (hg19) VCF-style: chr15-72668305-G-A.
Other names: c.9C>T, p.Ser3= (NM_001318825.2).
Identifiers: ClinVar variation 93193 (VCV000093193.39), dbSNP rs1800428, ClinGen allele CA146736.